The following is an entry in ClinVar:

ClinVar aggregate classification (germline): Uncertain significance. Review status: criteria provided, multiple submitters, no conflicts (2 of 4 stars). 2 submissions from 2 submitters: Uncertain significance (2). Last evaluated 2026-05-19.

Conditions:
Deafness-lymphedema-leukemia syndrome. Also called: Lymphedema, primary, with myelodysplasia; Emberger syndrome. Identifiers: Orphanet 3226, MedGen C3279664, MONDO:0013540, OMIM 614038.
Monocytopenia with susceptibility to infections. Also called: IMMUNODEFICIENCY 21; GATA2 DEFICIENCY; MONOCYTOPENIA AND MYCOBACTERIAL INFECTION SYNDROME; MONOCYTOPENIA WITH SUSCEPTIBILITY TO MYCOBACTERIAL, FUNGAL, AND PAPILLOMAVIRUS INFECTIONS AND MYELODYSPLASIA; COMBINED IMMUNODEFICIENCY WITH SUSCEPTIBILITY TO MYCOBACTERIAL, VIRAL, AND FUNGAL INFECTIONS; Dendritic cell, monocyte, B lymphocyte, and natural killer lymphocyte deficiency. Identifiers: Orphanet 228423, MedGen C3280030, MONDO:0013607, OMIM 614172.
Inborn genetic diseases. Identifiers: MedGen C0950123, MeSH D030342.

Submissions (2):

Ambry Genetics
Classification: Uncertain significance for Inborn genetic diseases. Last evaluated: 2026-05-19. Review status: criteria provided, single submitter. Criteria: Ambry Variant Classification Scheme 2023. Collection method: clinical testing. Allele origin: germline.
Comment: The p.P36R variant (also known as c.107C>G), located in coding exon 1 of the GATA2 gene, results from a C to G substitution at nucleotide position 107. The proline at codon 36 is replaced by arginine, an amino acid with dissimilar properties. This amino acid position is conserved. In addition, this alteration is predicted to be deleterious by in silico analysis. Based on the available evidence, the clinical significance of this variant remains unclear.

Labcorp Genetics (formerly Invitae), Labcorp
Classification: Uncertain significance for Monocytopenia with susceptibility to infections; Deafness-lymphedema-leukemia syndrome. Last evaluated: 2024-02-13. Review status: criteria provided, single submitter. Criteria: Invitae Variant Classification Sherloc (09022015). Collection method: clinical testing. Allele origin: germline.
Comment: This sequence change replaces proline, which is neutral and non-polar, with arginine, which is basic and polar, at codon 36 of the GATA2 protein (p.Pro36Arg). This variant is not present in population databases (gnomAD no frequency). This variant has not been reported in the literature in individuals affected with GATA2-related conditions. Advanced modeling of protein sequence and biophysical properties (such as structural, functional, and spatial information, amino acid conservation, physicochemical variation, residue mobility, and thermodynamic stability) has been performed at Invitae for this missense variant, however the output from this modeling did not meet the statistical confidence thresholds required to predict the impact of this variant on GATA2 protein function. In summary, the available evidence is currently insufficient to determine the role of this variant in disease. Therefore, it has been classified as a Variant of Uncertain Significance.

NM_032638.5(GATA2):c.107C>G (p.Pro36Arg)

Gene: GATA2 (GATA binding protein 2; minus strand). Cytogenetic location: 3q21.3.
Variant type: single nucleotide variant.
Coding change: c.107C>G on transcript NM_032638.5 (MANE Select); coding-DNA position 107, C replaced by G.
Protein change: p.Pro36Arg; replaces proline 36 with arginine.
Molecular consequence: missense variant.
Genome position (GRCh38, 1-based): chr3:128,486,925, G>C on the plus strand (C>G on the coding strand, the complement: GATA2 is on the minus strand). VCF-style: chr3-128486925-G-C. GRCh37 (hg19) VCF-style: chr3-128205768-G-C.
Other names: c.107C>G, p.Pro36Arg (NM_001145661.2, NM_001145662.1); short protein forms P36R.
Identifiers: ClinVar variation 3763048 (VCV003763048.3).